The following is an entry in ClinVar:

ClinVar aggregate classification (germline): Uncertain significance (1 of 4 stars; one submission).

Conditions:
Ataxia-telangiectasia-like disorder (ATLD). Identifiers: MedGen C1858391, MONDO:0011457.

Allele frequency attached by ClinVar (database versions not stated): gnomAD exomes below 0.00001.
gnomAD v4.1: 2 of 1,537,546 alleles (0.00013%); highest among the groups gnomAD compares: Non-Finnish European, 0.00018%; no homozygotes.

Submission:

Labcorp Genetics (formerly Invitae), Labcorp
Classification: Uncertain significance for Ataxia-telangiectasia-like disorder. Last evaluated: 2023-04-14. Review status: criteria provided, single submitter. Criteria: Invitae Variant Classification Sherloc (09022015). Collection method: clinical testing. Allele origin: germline.
Comment: In summary, the available evidence is currently insufficient to determine the role of this variant in disease. Therefore, it has been classified as a Variant of Uncertain Significance. An algorithm developed to predict the effect of missense changes on protein structure and function (PolyPhen-2) suggests that this variant is likely to be disruptive. This variant has not been reported in the literature in individuals affected with MRE11-related conditions. This variant is present in population databases (no rsID available, gnomAD 0.0009%). This sequence change replaces threonine, which is neutral and polar, with arginine, which is basic and polar, at codon 19 of the MRE11 protein (p.Thr19Arg).

NM_005591.4(MRE11):c.56C>G (p.Thr19Arg)

Gene: MRE11 (MRE11 double strand break repair nuclease; minus strand). Cytogenetic location: 11q21.
Variant type: single nucleotide variant.
Coding change: c.56C>G on transcript NM_005591.4 (MANE Select); coding-DNA position 56, C replaced by G.
Protein change: p.Thr19Arg; replaces threonine 19 with arginine.
Molecular consequence: missense variant.
Genome position (GRCh38, 1-based): chr11:94,490,930, G>C on the plus strand (C>G on the coding strand, the complement: MRE11 is on the minus strand). VCF-style: chr11-94490930-G-C. GRCh37 (hg19) VCF-style: chr11-94224096-G-C.
Other names: c.56C>G, p.Thr19Arg (NM_001330347.2, NM_005590.4); short protein forms T19R.
Identifiers: ClinVar variation 2802093 (VCV002802093.3), dbSNP rs1162254673, ClinGen allele CA382381002.